The following is an entry in ClinVar:

NM_000179.3(MSH6):c.3844dup (p.Thr1282fs)

Gene: MSH6 (mutS homolog 6; plus strand). Cytogenetic location: 2p16.3.
Variant type: Duplication.
Coding change: c.3844dup on transcript NM_000179.3 (MANE Select); coding-DNA position 3844, one base duplicated (A; older notation c.3844dupA).
Protein change: p.Thr1282fs; shifts the reading frame from threonine 1282.
Molecular consequence: frameshift variant. On other transcripts: non-coding transcript variant (5), intron variant (1).
Genome position (GRCh38, 1-based): chr2:47,806,494, A duplicated. VCF-style (leftmost placement, unchanged base first): chr2-47806493-G-GA. GRCh37 (hg19) VCF-style: chr2-48033632-G-GA.
Other names: c.3547dup, p.Thr1183fs (NM_001406821.1, NM_001406822.1, NM_001406824.1 and 10 more transcripts); c.2938dup, p.Thr980fs (NM_001406823.1, NM_001406829.1, NM_001281493.2 and 6 more transcripts); c.3676dup, p.Thr1226fs (NM_001406826.1); c.625dup, p.Thr209fs (NM_001406831.1); c.691dup, p.Thr231fs (NM_001406832.1); c.1789dup, p.Thr597fs (NM_001407362.1); c.3897+136dup (NM_001406802.1); c.3454dup, p.Thr1152fs (NM_001281492.2); and 9 more; short protein forms T1107fs, T1224fs, T597fs, T760fs, L1278fs, T1152fs, T1284fs, T209fs.
Identifiers: ClinVar variation 2732833 (VCV002732833.4), dbSNP rs2530859335, ClinGen allele CA2697548078.
Genomic context (GRCh38, chr2:47,806,493, plus strand): 5'-AATATTTTTCTTTCTTAAGGCATGCATGGTAGAAAATGAATGTGAAGACCCCAGCCAGGA[G>GA]ACTATTACGTTCCTCTATAAATTCATTAAGGGAGCTTGTCCTAAAAGCTATGGCTTTAAT-3'

ClinVar aggregate classification (germline): Pathogenic. Review status: criteria provided, multiple submitters, no conflicts (2 of 4 stars). 2 submissions from 2 submitters: Pathogenic (2). Last evaluated 2025-08-06.

Conditions:
Lynch syndrome 5 (LYNCH5). Also called: Colorectal cancer, hereditary nonpolyposis, type 5; Hereditary non-polyposis colorectal cancer, type 5. Identifiers: Orphanet 144, MedGen C1833477, MONDO:0013710, OMIM 614350. Disease mechanism: loss of function.
Hereditary nonpolyposis colorectal neoplasms. Identifiers: MedGen C0009405, MeSH D003123.

Submissions (2):

Myriad Genetics, Inc.
Classification: Pathogenic for Lynch syndrome 5. Last evaluated: 2025-08-06. Review status: criteria provided, single submitter. Criteria: Myriad Autosomal Dominant, Autosomal Recessive and X-Linked Classification Criteria (2023). Collection method: clinical testing. Allele origin: unknown.
Comment: This variant is considered pathogenic. This variant creates a frameshift predicted to result in premature protein truncation.

Labcorp Genetics (formerly Invitae), Labcorp
Classification: Pathogenic for Hereditary nonpolyposis colorectal neoplasms. Last evaluated: 2023-06-29. Review status: criteria provided, single submitter. Criteria: Invitae Variant Classification Sherloc (09022015). Collection method: clinical testing. Allele origin: germline.
Comment: This sequence change creates a premature translational stop signal (p.Thr1282Asnfs*7) in the MSH6 gene. It is expected to result in an absent or disrupted protein product. Loss-of-function variants in MSH6 are known to be pathogenic (PMID: 18269114, 24362816). This variant is not present in population databases (gnomAD no frequency). This variant has not been reported in the literature in individuals affected with MSH6-related conditions. For these reasons, this variant has been classified as Pathogenic.

Literature cited by the submitters: PubMed 18269114 (cited by Labcorp Genetics (formerly Invitae), Labcorp); PubMed 24362816 (cited by Labcorp Genetics (formerly Invitae), Labcorp).